The following is an entry in ClinVar:

NM_004638.4(PRRC2A):c.5031G>A (p.Lys1677=)

Gene: PRRC2A (proline rich coiled-coil 2A; plus strand). Cytogenetic location: 6p21.33.
Variant type: single nucleotide variant.
Coding change: c.5031G>A on transcript NM_004638.4 (MANE Select); coding-DNA position 5031, G replaced by A.
Protein change: p.Lys1677=; no amino-acid change (lysine 1677 retained).
Molecular consequence: synonymous variant.
Genome position (GRCh38, 1-based): chr6:31,634,848, G>A. VCF-style: chr6-31634848-G-A. GRCh37 (hg19) VCF-style: chr6-31602625-G-A.
Other names: c.5031G>A, p.Lys1677= (NM_080686.3).
Identifiers: ClinVar variation 3057656 (VCV003057656.2), dbSNP rs541690379, ClinGen allele CA3716397.

ClinVar aggregate classification (germline): Likely benign (0 of 4 stars; one submission).

Conditions:
PRRC2A-related disorder. Also called: PRRC2A-related condition.

Allele frequency attached by ClinVar (database versions not stated): gnomAD exomes 0.00013; gnomAD 0.00023; TOPMed 0.00027; ExAC 0.00047; 1000 Genomes Project 30x 0.00156; 1000 Genomes Project 0.00180.
gnomAD v4.1: 235 of 1,613,022 alleles (0.015%); highest among the groups gnomAD compares: East Asian, 0.36%; no homozygotes.

Submission:

PreventionGenetics, part of Exact Sciences
Classification: Likely benign for PRRC2A-related condition. Last evaluated: 2019-02-19. Review status: no assertion criteria provided. Collection method: clinical testing. Allele origin: germline.
Comment: This variant is classified as likely benign based on ACMG/AMP sequence variant interpretation guidelines (Richards et al. 2015 PMID: 25741868, with internal and published modifications).